The following is an entry in ClinVar:

ClinVar aggregate classification (germline): Uncertain significance (1 of 4 stars; one submission).

Conditions:
RYR1-related disorder. Also called: RYR1-related condition; RYR1-related disorders. Identifiers: MedGen CN239331.

Submission:

Labcorp Genetics (formerly Invitae), Labcorp
Classification: Uncertain significance for RYR1-related disorder. Last evaluated: 2024-10-13. Review status: criteria provided, single submitter. Criteria: Invitae Variant Classification Sherloc (09022015). Collection method: clinical testing. Allele origin: germline.
Comment: This sequence change replaces leucine, which is neutral and non-polar, with valine, which is neutral and non-polar, at codon 4563 of the RYR1 protein (p.Leu4563Val). This variant is not present in population databases (gnomAD no frequency). This variant has not been reported in the literature in individuals affected with RYR1-related conditions. Invitae Evidence Modeling of protein sequence and biophysical properties (such as structural, functional, and spatial information, amino acid conservation, physicochemical variation, residue mobility, and thermodynamic stability) indicates that this missense variant is not expected to disrupt RYR1 protein function with a negative predictive value of 80%. In summary, the available evidence is currently insufficient to determine the role of this variant in disease. Therefore, it has been classified as a Variant of Uncertain Significance.

NM_000540.3(RYR1):c.13687C>G (p.Leu4563Val)

Gene: RYR1 (ryanodine receptor 1; plus strand). Cytogenetic location: 19q13.2.
Variant type: single nucleotide variant.
Coding change: c.13687C>G on transcript NM_000540.3 (MANE Select); coding-DNA position 13687, C replaced by G.
Protein change: p.Leu4563Val; replaces leucine 4563 with valine.
Molecular consequence: missense variant.
Genome position (GRCh38, 1-based): chr19:38,570,634, C>G. VCF-style: chr19-38570634-C-G. GRCh37 (hg19) VCF-style: chr19-39061274-C-G.
Other names: c.13672C>G, p.Leu4558Val (NM_001042723.2); short protein forms L4563V, L4558V.
Identifiers: ClinVar variation 3704594 (VCV003704594.2).
Genomic context (GRCh38, chr19:38,570,634, plus strand): 5'-GAGCGCTTTCTCTCTTTTTCTCTTCTCTCTCAGAACTACCTGTCCCGGAACTTTTACACC[C>G]TGCGGTTCCTTGCCCTCTTCTTGGCATTTGCCATCAACTTCATCTTGCTGTTTTATAAGG-3'
Protein context (NP_000531.2, residues 4553-4573): LNYLSRNFYT[Leu4563Val]RFLALFLAFA